The following is an entry in ClinVar:

ClinVar aggregate classification (germline): Uncertain significance. Review status: criteria provided, multiple submitters, no conflicts (2 of 4 stars). 2 submissions from 2 submitters: Uncertain significance (2). Last evaluated 2024-09-02.

Conditions:
Combined malonic and methylmalonic acidemia. Identifiers: Orphanet 289504, MedGen C3280314, MONDO:0013661, OMIM 614265.

Allele frequency attached by ClinVar (database versions not stated): gnomAD 0.00012.

Submissions (2):

Blueprint Genetics
Classification: Uncertain significance. Last evaluated: 2024-09-02. Review status: criteria provided, single submitter. Criteria: ACMG Guidelines, 2015. Collection method: clinical testing. Allele origin: germline.

Labcorp Genetics (formerly Invitae), Labcorp
Classification: Uncertain significance for Combined malonic and methylmalonic acidemia. Last evaluated: 2022-08-31. Review status: criteria provided, single submitter. Criteria: Invitae Variant Classification Sherloc (09022015). Collection method: clinical testing. Allele origin: germline.
Comment: This sequence change replaces proline, which is neutral and non-polar, with leucine, which is neutral and non-polar, at codon 158 of the ACSF3 protein (p.Pro158Leu). This variant is present in population databases (rs763823186, gnomAD 0.03%). This variant has not been reported in the literature in individuals affected with ACSF3-related conditions. Algorithms developed to predict the effect of missense changes on protein structure and function are either unavailable or do not agree on the potential impact of this missense change (SIFT: "Deleterious"; PolyPhen-2: "Possibly Damaging"; Align-GVGD: "Class C0"). In summary, the available evidence is currently insufficient to determine the role of this variant in disease. Therefore, it has been classified as a Variant of Uncertain Significance.

NM_001243279.3(ACSF3):c.473C>T (p.Pro158Leu)

Gene: ACSF3 (acyl-CoA synthetase family member 3; plus strand). Cytogenetic location: 16q24.3.
Variant type: single nucleotide variant.
Coding change: c.473C>T on transcript NM_001243279.3 (MANE Select); coding-DNA position 473, C replaced by T.
Protein change: p.Pro158Leu; replaces proline 158 with leucine.
Molecular consequence: missense variant. On other transcripts: non-coding transcript variant (3), intron variant (1).
Genome position (GRCh38, 1-based): chr16:89,101,154, C>T. VCF-style: chr16-89101154-C-T. GRCh37 (hg19) VCF-style: chr16-89167562-C-T.
Other names: c.473C>T, p.Pro158Leu (NM_001127214.4, NM_174917.5); c.-129-1450C>T (NM_001284316.2); short protein forms P158L.
Identifiers: ClinVar variation 2059144 (VCV002059144.2), dbSNP rs763823186, ClinGen allele CA8237662.